The following is an entry in ClinVar:

ClinVar aggregate classification (germline): Uncertain significance (1 of 4 stars; one submission).

gnomAD v4.1: 2 of 1,613,544 alleles (0.00012%); highest among the groups gnomAD compares: Non-Finnish European, 0.000085%; no homozygotes.

Submission:

Labcorp Genetics (formerly Invitae), Labcorp
Classification: Uncertain significance. Last evaluated: 2025-02-07. Review status: criteria provided, single submitter. Criteria: Invitae Variant Classification Sherloc (09022015). Collection method: clinical testing. Allele origin: germline.
Comment: This sequence change replaces proline, which is neutral and non-polar, with serine, which is neutral and polar, at codon 104 of the LZTS1 protein (p.Pro104Ser). This variant is not present in population databases (gnomAD no frequency). This variant has not been reported in the literature in individuals affected with LZTS1-related conditions. Invitae Evidence Modeling of protein sequence and biophysical properties (such as structural, functional, and spatial information, amino acid conservation, physicochemical variation, residue mobility, and thermodynamic stability) indicates that this missense variant is not expected to disrupt LZTS1 protein function with a negative predictive value of 80%. In summary, the available evidence is currently insufficient to determine the role of this variant in disease. Therefore, it has been classified as a Variant of Uncertain Significance.

NM_021020.5(LZTS1):c.310C>T (p.Pro104Ser)

Gene: LZTS1 (leucine zipper tumor suppressor 1; minus strand). Cytogenetic location: 8p21.3.
Variant type: single nucleotide variant.
Coding change: c.310C>T on transcript NM_021020.5 (MANE Select); coding-DNA position 310, C replaced by T.
Protein change: p.Pro104Ser; replaces proline 104 with serine.
Molecular consequence: missense variant.
Genome position (GRCh38, 1-based): chr8:20,254,872, G>A on the plus strand (C>T on the coding strand, the complement: LZTS1 is on the minus strand). VCF-style: chr8-20254872-G-A. GRCh37 (hg19) VCF-style: chr8-20112383-G-A.
Other names: c.310C>T, p.Pro104Ser (NM_001362884.2); short protein forms P104S.
Identifiers: ClinVar variation 4808625 (VCV004808625.1).